The following is an entry in ClinVar:

NM_022124.6(CDH23):c.5000A>G (p.Asn1667Ser)

Gene: CDH23 (cadherin related 23; plus strand). Cytogenetic location: 10q22.1.
Variant type: single nucleotide variant.
Coding change: c.5000A>G on transcript NM_022124.6 (MANE Select); coding-DNA position 5000, A replaced by G.
Protein change: p.Asn1667Ser; replaces asparagine 1667 with serine.
Molecular consequence: missense variant.
Genome position (GRCh38, 1-based): chr10:71,777,834, A>G. VCF-style: chr10-71777834-A-G. GRCh37 (hg19) VCF-style: chr10-73537591-A-G.
Other names: c.5000A>G (NM_022124.5); short protein forms N1667S.
Identifiers: ClinVar variation 2191397 (VCV002191397.3), dbSNP rs768672680, ClinGen allele CA5545599.

ClinVar aggregate classification (germline): Uncertain significance. Review status: criteria provided, multiple submitters, no conflicts (2 of 4 stars). 3 submissions from 3 submitters: Uncertain significance (3). Last evaluated 2026-05-14.

Conditions:
Inborn genetic diseases. Identifiers: MedGen C0950123, MeSH D030342.

Allele frequency attached by ClinVar (database versions not stated): ExAC 0.00001; gnomAD exomes 0.00001; TOPMed 0.00001.
gnomAD v4.1: 15 of 1,613,862 alleles (0.00093%); highest among the groups gnomAD compares: Non-Finnish European, 0.0013%; no homozygotes.

Submissions (3):

Ambry Genetics
Classification: Uncertain significance for Inborn genetic diseases. Last evaluated: 2026-05-14. Review status: criteria provided, single submitter. Criteria: Ambry Variant Classification Scheme 2023. Collection method: clinical testing. Allele origin: germline.

GeneDx
Classification: Uncertain significance. Last evaluated: 2026-02-12. Review status: criteria provided, single submitter. Criteria: GeneDx Variant Classification Process June 2021. Collection method: clinical testing. Allele origin: germline.
Comment: Not observed at significant frequency in large population cohorts (gnomAD); In silico analysis supports that this missense variant has a deleterious effect on protein structure/function; Has not been previously published as pathogenic or benign to our knowledge

Labcorp Genetics (formerly Invitae), Labcorp
Classification: Uncertain significance. Last evaluated: 2022-08-22. Review status: criteria provided, single submitter. Criteria: Invitae Variant Classification Sherloc (09022015). Collection method: clinical testing. Allele origin: germline.
Comment: This sequence change replaces asparagine, which is neutral and polar, with serine, which is neutral and polar, at codon 1667 of the CDH23 protein (p.Asn1667Ser). This variant is present in population databases (rs768672680, gnomAD 0.002%). This variant has not been reported in the literature in individuals affected with CDH23-related conditions. Algorithms developed to predict the effect of missense changes on protein structure and function are either unavailable or do not agree on the potential impact of this missense change (SIFT: "Deleterious"; PolyPhen-2: "Not Available"; Align-GVGD: "Class C45"). In summary, the available evidence is currently insufficient to determine the role of this variant in disease. Therefore, it has been classified as a Variant of Uncertain Significance.